The following is an entry in ClinVar:

ClinVar aggregate classification (germline): Uncertain significance (1 of 4 stars; one submission).

Conditions:
Cardiovascular phenotype. Identifiers: MedGen CN230736.

Submission:

Ambry Genetics
Classification: Uncertain significance for Cardiovascular phenotype. Last evaluated: 2025-03-10. Review status: criteria provided, single submitter. Criteria: Ambry Variant Classification Scheme 2023. Collection method: clinical testing. Allele origin: germline.
Comment: The p.V1630F variant (also known as c.4888G>T), located in coding exon 10 of the ALPK3 gene, results from a G to T substitution at nucleotide position 4888. The valine at codon 1630 is replaced by phenylalanine, an amino acid with highly similar properties. This alteration has been reported in a subject with hypertrophic cardiomyopathy who also carried a frameshift alteration in ALPK3 (Herkert JC et al. Am Heart J, 2020 07;225:108-119). This amino acid position is not well conserved in available vertebrate species. In addition, this alteration is predicted to be tolerated by in silico analysis. Since supporting evidence is limited at this time, the clinical significance of this alteration remains unclear.

Literature cited by the submitters: PubMed 32480058.

NM_020778.5(ALPK3):c.4282G>T (p.Val1428Phe)

Gene: ALPK3 (alpha kinase 3; plus strand). Cytogenetic location: 15q25.3.
Variant type: single nucleotide variant.
Coding change: c.4282G>T on transcript NM_020778.5 (MANE Select); coding-DNA position 4282, G replaced by T.
Protein change: p.Val1428Phe; replaces valine 1428 with phenylalanine.
Molecular consequence: missense variant.
Genome position (GRCh38, 1-based): chr15:84,862,787, G>T. VCF-style: chr15-84862787-G-T. GRCh37 (hg19) VCF-style: chr15-85406018-G-T.
Other names: short protein forms V1428F.
Identifiers: ClinVar variation 1743829 (VCV001743829.3), dbSNP rs1224262849, ClinGen allele CA393363038.